The following is an entry in ClinVar:

NM_005245.4(FAT1):c.5336C>G (p.Ser1779Ter)

Gene: FAT1 (FAT atypical cadherin 1; minus strand). Cytogenetic location: 4q35.2.
Variant type: single nucleotide variant.
Coding change: c.5336C>G on transcript NM_005245.4 (MANE Select); coding-DNA position 5336, C replaced by G.
Protein change: p.Ser1779Ter; replaces serine 1779 with a stop codon.
Molecular consequence: nonsense.
Genome position (GRCh38, 1-based): chr4:186,621,250, G>C on the plus strand (C>G on the coding strand, the complement: FAT1 is on the minus strand). VCF-style: chr4-186621250-G-C. GRCh37 (hg19) VCF-style: chr4-187542404-G-C.
Other names: short protein forms S1779*.
Identifiers: ClinVar variation 1305744 (VCV001305744.2), dbSNP rs2126523530, ClinGen allele CA358972934.

ClinVar aggregate classification (germline): Uncertain significance (1 of 4 stars; one submission).

Submission:

GeneDx
Classification: Uncertain significance. Last evaluated: 2019-05-21. Review status: criteria provided, single submitter. Criteria: GeneDx Variant Classification Process June 2021. Collection method: clinical testing. Allele origin: germline. Affected: yes.
Comment: Not observed in large population cohorts (Lek et al., 2016); Nonsense variant predicted to result in protein truncation or nonsense mediated decay in a gene for which loss-of-function is not a known mechanism of disease; Has not been previously published as pathogenic or benign to our knowledge; Variants in candidate genes are classified as variants of uncertain significance in accordance with ACMG guidelines (Richards et al., 2015)